The following is an entry in ClinVar:

ClinVar aggregate classification (germline): Uncertain significance (1 of 4 stars; one submission).

Conditions:
Hereditary cancer-predisposing syndrome. Also called: Tumor predisposition; Neoplastic Syndromes, Hereditary; Hereditary Cancer Syndrome; Hereditary neoplastic syndrome. Identifiers: Orphanet 140162, MedGen C0027672, MeSH D009386, MONDO:0015356.

Submission:

Ambry Genetics
Classification: Uncertain significance for Hereditary cancer-predisposing syndrome. Last evaluated: 2024-09-20. Review status: criteria provided, single submitter. Criteria: Ambry Variant Classification Scheme 2023. Collection method: clinical testing. Allele origin: germline.
Comment: The p.L659I variant (also known as c.1975T>A), located in coding exon 10 of the BRCA2 gene, results from a T to A substitution at nucleotide position 1975. The leucine at codon 659 is replaced by isoleucine, an amino acid with highly similar properties. This amino acid position is conserved. In addition, this alteration is predicted to be tolerated by in silico analysis. Based on the available evidence, the clinical significance of this variant remains unclear.

NM_000059.4(BRCA2):c.1975T>A (p.Leu659Ile)

Gene: BRCA2 (BRCA2 DNA repair associated; plus strand). Cytogenetic location: 13q13.1.
Variant type: single nucleotide variant.
Coding change: c.1975T>A on transcript NM_000059.4 (MANE Select); coding-DNA position 1975, T replaced by A.
Protein change: p.Leu659Ile; replaces leucine 659 with isoleucine.
Molecular consequence: missense variant. On other transcripts: non-coding transcript variant (1), intron variant (2).
Genome position (GRCh38, 1-based): chr13:32,336,330, T>A. VCF-style: chr13-32336330-T-A. GRCh37 (hg19) VCF-style: chr13-32910467-T-A.
Other names: c.1975T>A, p.Leu659Ile (NM_001406719.1, NM_001406720.1, NM_001432077.1); c.1909+2943T>A (NM_001406721.1); c.424+5300T>A (NM_001406722.1); short protein forms L659I.
Identifiers: ClinVar variation 3482103 (VCV003482103.1).